The following is an entry in ClinVar:

NM_021072.4(HCN1):c.2365T>A (p.Ser789Thr)

Gene: HCN1 (hyperpolarization activated cyclic nucleotide gated potassium channel 1; minus strand). Cytogenetic location: 5p12.
Variant type: single nucleotide variant.
Coding change: c.2365T>A on transcript NM_021072.4 (MANE Select); coding-DNA position 2365, T replaced by A.
Protein change: p.Ser789Thr; replaces serine 789 with threonine.
Molecular consequence: missense variant.
Genome position (GRCh38, 1-based): chr5:45,262,229, A>T on the plus strand (T>A on the coding strand, the complement: HCN1 is on the minus strand). VCF-style: chr5-45262229-A-T. GRCh37 (hg19) VCF-style: chr5-45262331-A-T.
Other names: short protein forms S789T.
Identifiers: ClinVar variation 5009875 (VCV005009875.1).
Genomic context (GRCh38, chr5:45,262,229, plus strand): 5'-CCACAGTGGGATGAGGTCTGGAAATCAGAGTGGACACCTCATGGGGCAGCGAGGGCTGCG[A>T]GGCGGAGAGTGGCCTGACTTCCCGGGTCAGGTTGGTGTTGTGAAGCGCCTGCGTGCTCTT-3'
Protein context (NP_066550.2, residues 779-799): LTREVRPLSA[Ser789Thr]QPSLPHEVST

ClinVar aggregate classification (germline): Uncertain significance (1 of 4 stars; one submission).

gnomAD v4.1: 2 of 1,614,034 alleles (0.00012%); highest among the groups gnomAD compares: Non-Finnish European, 0.00017%; no homozygotes.

Submission:

GeneDx
Classification: Uncertain significance. Last evaluated: 2026-02-25. Review status: criteria provided, single submitter. Criteria: GeneDx Variant Classification Process June 2021. Collection method: clinical testing. Allele origin: germline.
Comment: Not observed at significant frequency in large population cohorts (gnomAD); In silico analysis suggests that this missense variant does not alter protein structure/function; Has not been previously published as pathogenic or benign to our knowledge